The following is an entry in ClinVar:

NM_000179.3(MSH6):c.2834_2845delinsA (p.Arg945fs)

Gene: MSH6 (mutS homolog 6; plus strand). Cytogenetic location: 2p16.3.
Variant type: Indel.
Coding change: c.2834_2845delinsA on transcript NM_000179.3 (MANE Select); coding-DNA positions 2834 to 2845, GAGAAAATGAAC replaced by A.
Protein change: p.Arg945fs; shifts the reading frame from arginine 945.
Molecular consequence: frameshift variant. On other transcripts: non-coding transcript variant (5), intron variant (2).
Genome position (GRCh38, 1-based): chr2:47,800,817-47,800,828, GAGAAAATGAAC replaced by A. VCF-style: chr2-47800817-GAGAAAATGAAC-A. GRCh37 (hg19) VCF-style: chr2-48027956-GAGAAAATGAAC-A.
Other names: c.2444_2455delinsA, p.Arg815fs (NM_001281492.2); c.1928_1939delinsA, p.Arg643fs (NM_001281493.2, NM_001281494.2, NM_001406811.1 and 6 more transcripts); c.2930_2941delinsA, p.Arg977fs (NM_001406795.1, NM_001406802.1); c.2834_2845delinsA, p.Arg945fs (NM_001406796.1, NM_001406798.1, NM_001406800.1 and 2 more transcripts); c.2537_2548delinsA, p.Arg846fs (NM_001406797.1, NM_001406801.1, NM_001406805.1 and 10 more transcripts); c.2309_2320delinsA, p.Arg770fs (NM_001406799.1, NM_001406806.1, NM_001406807.1); c.2756_2767delinsA, p.Arg919fs (NM_001406804.1); c.2840_2851delinsA, p.Arg947fs (NM_001406813.1); and 4 more; short protein forms R260fs, R643fs, R770fs, R815fs, R846fs, R889fs, R919fs, R945fs.
Identifiers: ClinVar variation 2673774 (VCV002673774.1), dbSNP rs2530696323, ClinGen allele CA2695200586.
Genomic context (GRCh38, chr2:47,800,817, plus strand): 5'-GACTTATTACTCCCAAAGCAGGCTTTGACTCTGATTATGACCAAGCTCTTGCTGACATAA[GAGAAAATGAAC>A]AGAGCCTCCTGGAATACCTAGAGAAACAGCGCAACAGAATTGGCTGTAGGACCATAGTCT-3'

ClinVar aggregate classification (germline): Pathogenic (1 of 4 stars; one submission).

Conditions:
Lynch syndrome 5 (LYNCH5). Also called: Colorectal cancer, hereditary nonpolyposis, type 5; Hereditary non-polyposis colorectal cancer, type 5. Identifiers: Orphanet 144, MedGen C1833477, MONDO:0013710, OMIM 614350. Disease mechanism: loss of function.

Submission:

Myriad Genetics, Inc.
Classification: Pathogenic for Lynch syndrome 5. Last evaluated: 2023-08-21. Review status: criteria provided, single submitter. Criteria: Myriad Autosomal Dominant, Autosomal Recessive and X-Linked Classification Criteria (2023). Collection method: clinical testing. Allele origin: unknown.
Comment: This variant is considered pathogenic. This variant creates a frameshift predicted to result in premature protein truncation.